The following is an entry in ClinVar:

ClinVar aggregate classification (germline): Uncertain significance (1 of 4 stars; one submission).

Allele frequency attached by ClinVar (database versions not stated): TOPMed below 0.00001.
gnomAD v4.1: 1 of 1,204,192 alleles (0.000083%); no homozygotes.

Submission:

Women's Health and Genetics/Laboratory Corporation of America, LabCorp
Classification: Uncertain significance. Last evaluated: 2021-07-23. Review status: criteria provided, single submitter. Criteria: LabCorp Variant Classification Summary - May 2015. Collection method: clinical testing. Allele origin: germline.
Comment: Variant summary: CNKSR2 c.1003A>G (p.Ser335Gly) results in a non-conservative amino acid change in the encoded protein sequence. Three of five in-silico tools predict a benign effect of the variant on protein function. The variant was absent in 181771 control chromosomes. The available data on variant occurrences in the general population are insufficient to allow any conclusion about variant significance. To our knowledge, no occurrence of c.1003A>G in individuals affected with Mental Retardation X-Linked Syndromic Houge Type and no experimental evidence demonstrating its impact on protein function have been reported. No clinical diagnostic laboratories have submitted clinical-significance assessments for this variant to ClinVar after 2014. Based on the evidence outlined above, the variant was classified as uncertain significance.

NM_014927.5(CNKSR2):c.1003A>G (p.Ser335Gly)

Gene: CNKSR2 (connector enhancer of kinase suppressor of Ras 2; plus strand). Cytogenetic location: Xp22.12.
Variant type: single nucleotide variant.
Coding change: c.1003A>G on transcript NM_014927.5 (MANE Select); coding-DNA position 1003, A replaced by G.
Protein change: p.Ser335Gly; replaces serine 335 with glycine.
Molecular consequence: missense variant.
Genome position (GRCh38, 1-based): chrX:21,526,912, A>G. VCF-style: chrX-21526912-A-G. GRCh37 (hg19) VCF-style: chrX-21545030-A-G.
Other names: c.1003A>G, p.Ser335Gly (NM_001168647.3, NM_001168648.3, NM_001330773.2); c.856A>G, p.Ser286Gly (NM_001168649.3, NM_001330770.2, NM_001330771.2 and 1 more transcripts); short protein forms S286G, S335G.
Identifiers: ClinVar variation 1192240 (VCV001192240.1), dbSNP rs2091841106, ClinGen allele CA412550782.
Genomic context (GRCh38, chrX:21,526,912, plus strand): 5'-TTTCATTTTAACCAGCCTCTTATACCTAGAAGTCCCACAAGCAGCGTTGCCACGCCTTCC[A>G]GCACCATCAGTACACCCACCAAAAGAGACAGTTCTGCCCTCCAGGATCTCTACATTCCCC-3'
Protein context (NP_055742.2, residues 325-345): SPTSSVATPS[Ser335Gly]TISTPTKRDS